The following is an entry in ClinVar:

NM_001184880.2(PCDH19):c.714del (p.Phe238fs)

Gene: PCDH19 (protocadherin 19; minus strand). Cytogenetic location: Xq22.1.
Variant type: Deletion.
Coding change: c.714del on transcript NM_001184880.2 (MANE Select); coding-DNA position 714, one base deleted (T; older notation c.714delT).
Protein change: p.Phe238fs; shifts the reading frame from phenylalanine 238.
Molecular consequence: frameshift variant.
Genome position (GRCh38, 1-based): chrX:100,407,884, A deleted on the plus strand (T on the coding strand, the reverse complement: PCDH19 is on the minus strand); the first of 3 consecutive A bases (chrX:100,407,884-100,407,886); deleting any one gives the same sequence. VCF-style (leftmost placement, unchanged base first): chrX-100407883-TA-T. GRCh37 (hg19) VCF-style: chrX-99662881-TA-T.
Other names: c.714del, p.Phe238fs (NM_001105243.2, NM_020766.3); short protein forms F238fs.
Identifiers: ClinVar variation 1072832 (VCV001072832.7), dbSNP rs2147540836, ClinGen allele CA2499226258.

ClinVar aggregate classification (germline): Pathogenic (1 of 4 stars; one submission).

Conditions:
Developmental and epileptic encephalopathy, 9 (DEE9). Also called: Early infantile epileptic encephalopathy 9; EPILEPSY, FEMALE-RESTRICTED, WITH MENTAL RETARDATION; PCDH19-Related X-Linked Female-Limited Epilepsy with Mental Retardation; JUBERG-HELLMAN SYNDROME. Identifiers: Orphanet 101039, Orphanet 2076, MedGen C1848137, MONDO:0010246, OMIM 300088. Disease mechanism: loss of function.

Submission:

Labcorp Genetics (formerly Invitae), Labcorp
Classification: Pathogenic for Developmental and epileptic encephalopathy, 9. Last evaluated: 2022-06-13. Review status: criteria provided, single submitter. Criteria: Invitae Variant Classification Sherloc (09022015). Collection method: clinical testing. Allele origin: germline.
Comment: This variant is not present in population databases (gnomAD no frequency). This sequence change creates a premature translational stop signal (p.Phe238Leufs*8) in the PCDH19 gene. It is expected to result in an absent or disrupted protein product. Loss-of-function variants in PCDH19 are known to be pathogenic (PMID: 21053371). This variant has not been reported in the literature in individuals affected with PCDH19-related conditions. ClinVar contains an entry for this variant (Variation ID: 1072832). For these reasons, this variant has been classified as Pathogenic.

Literature cited by the submitters: PubMed 21053371.